The following is an entry in ClinVar:

ClinVar aggregate classification (germline): Uncertain significance (1 of 4 stars; one submission).

Conditions:
STING-associated vasculopathy with onset in infancy. Also called: Sting-associated vasculopathy, infantile-onset. Identifiers: Orphanet 425120, MedGen C4014722, MONDO:0014405, OMIM 615934.

gnomAD v4.1: 1 of 1,613,940 alleles (0.000062%); highest among the groups gnomAD compares: Non-Finnish European, 0.000085%; no homozygotes.

Submission:

Labcorp Genetics (formerly Invitae), Labcorp
Classification: Uncertain significance for STING-associated vasculopathy with onset in infancy. Last evaluated: 2025-04-02. Review status: criteria provided, single submitter. Criteria: Invitae Variant Classification Sherloc (09022015). Collection method: clinical testing. Allele origin: germline.
Comment: This sequence change replaces cysteine, which is neutral and slightly polar, with tyrosine, which is neutral and polar, at codon 64 of the TMEM173 protein (p.Cys64Tyr). This variant is not present in population databases (gnomAD no frequency). This variant has not been reported in the literature in individuals affected with TMEM173-related conditions. Invitae Evidence Modeling of protein sequence and biophysical properties (such as structural, functional, and spatial information, amino acid conservation, physicochemical variation, residue mobility, and thermodynamic stability) indicates that this missense variant is expected to disrupt TMEM173 protein function with a positive predictive value of 80%. In summary, the available evidence is currently insufficient to determine the role of this variant in disease. Therefore, it has been classified as a Variant of Uncertain Significance.

NM_198282.4(STING1):c.191G>A (p.Cys64Tyr)

Gene: STING1 (stimulator of interferon response cGAMP interactor 1; minus strand). Cytogenetic location: 5q31.2.
Variant type: single nucleotide variant.
Coding change: c.191G>A on transcript NM_198282.4 (MANE Select); coding-DNA position 191, G replaced by A.
Protein change: p.Cys64Tyr; replaces cysteine 64 with tyrosine.
Molecular consequence: missense variant. On other transcripts: intron variant (1).
Genome position (GRCh38, 1-based): chr5:139,481,514, C>T on the plus strand (G>A on the coding strand, the complement: STING1 is on the minus strand). VCF-style: chr5-139481514-C-T. GRCh37 (hg19) VCF-style: chr5-138861099-C-T.
Other names: c.191G>A, p.Cys64Tyr (NM_001301738.2); c.-130-172G>A (NM_001367258.1); short protein forms C64Y.
Identifiers: ClinVar variation 4805368 (VCV004805368.1).